The following is an entry in ClinVar:

NM_152703.5(SAMD9L):c.1823G>A (p.Ser608Asn)

Gene: SAMD9L (sterile alpha motif domain containing 9 like; minus strand). Cytogenetic location: 7q21.2.
Variant type: single nucleotide variant.
Coding change: c.1823G>A on transcript NM_152703.5 (MANE Select); coding-DNA position 1823, G replaced by A.
Protein change: p.Ser608Asn; replaces serine 608 with asparagine.
Molecular consequence: missense variant.
Genome position (GRCh38, 1-based): chr7:93,134,149, C>T on the plus strand (G>A on the coding strand, the complement: SAMD9L is on the minus strand). VCF-style: chr7-93134149-C-T. GRCh37 (hg19) VCF-style: chr7-92763462-C-T.
Other names: c.1823G>A, p.Ser608Asn (NM_001303496.3, NM_001303497.3, NM_001303498.3 and 5 more transcripts); short protein forms S608N.
Identifiers: ClinVar variation 4159448 (VCV004159448.1).

ClinVar aggregate classification (germline): Uncertain significance (1 of 4 stars; one submission).

Conditions:
Inborn genetic diseases. Identifiers: MedGen C0950123, MeSH D030342.

Submission:

Ambry Genetics
Classification: Uncertain significance for Inborn genetic diseases. Last evaluated: 2025-09-01. Review status: criteria provided, single submitter. Criteria: Ambry Variant Classification Scheme 2023. Collection method: clinical testing. Allele origin: germline.
Comment: The p.S608N variant (also known as c.1823G>A), located in coding exon 1 of the SAMD9L gene, results from a G to A substitution at nucleotide position 1823. The serine at codon 608 is replaced by asparagine, an amino acid with highly similar properties. This amino acid position is conserved. In addition, this alteration is predicted to be tolerated by in silico analysis. Based on the available evidence, the clinical significance of this variant remains unclear.